The following is an entry in ClinVar:

ClinVar aggregate classification (germline): Uncertain significance. Review status: criteria provided, multiple submitters, no conflicts (2 of 4 stars). 2 submissions from 2 submitters: Uncertain significance (2). Last evaluated 2025-12-14.

Conditions:
Hereditary cancer-predisposing syndrome. Also called: Neoplastic Syndromes, Hereditary; Tumor predisposition; Hereditary Cancer Syndrome; Hereditary neoplastic syndrome. Identifiers: Orphanet 140162, MedGen C0027672, MeSH D009386, MONDO:0015356.

Allele frequency attached by ClinVar (database versions not stated): gnomAD exomes below 0.00001; TOPMed below 0.00001; gnomAD 0.00001 and 0.00002.
gnomAD v4.1: 4 of 1,612,316 alleles (0.00025%); highest among the groups gnomAD compares: East Asian, 0.0045%; no homozygotes.

Submissions (2):

Ambry Genetics
Classification: Uncertain significance for Hereditary cancer-predisposing syndrome. Last evaluated: 2025-12-14. Review status: criteria provided, single submitter. Criteria: Ambry Variant Classification Scheme 2023. Collection method: clinical testing. Allele origin: germline.
Comment: The p.E110G variant (also known as c.329A>G), located in coding exon 3 of the CTNNA1 gene, results from an A to G substitution at nucleotide position 329. The glutamic acid at codon 110 is replaced by glycine, an amino acid with similar properties. This amino acid position is conserved. In addition, the in silico prediction for this alteration is inconclusive. Since supporting evidence is limited at this time, the clinical significance of this alteration remains unclear.

Labcorp Genetics (formerly Invitae), Labcorp
Classification: Uncertain significance. Last evaluated: 2025-03-04. Review status: criteria provided, single submitter. Criteria: Invitae Variant Classification Sherloc (09022015). Collection method: clinical testing. Allele origin: germline.
Comment: This sequence change replaces glutamic acid, which is acidic and polar, with glycine, which is neutral and non-polar, at codon 110 of the CTNNA1 protein (p.Glu110Gly). This variant is not present in population databases (gnomAD no frequency). This variant has not been reported in the literature in individuals affected with CTNNA1-related conditions. ClinVar contains an entry for this variant (Variation ID: 1025406). Invitae Evidence Modeling of protein sequence and biophysical properties (such as structural, functional, and spatial information, amino acid conservation, physicochemical variation, residue mobility, and thermodynamic stability) indicates that this missense variant is not expected to disrupt CTNNA1 protein function with a negative predictive value of 80%. In summary, the available evidence is currently insufficient to determine the role of this variant in disease. Therefore, it has been classified as a Variant of Uncertain Significance.

NM_001903.5(CTNNA1):c.329A>G (p.Glu110Gly)

Gene: CTNNA1 (catenin alpha 1; plus strand). Cytogenetic location: 5q31.2.
Variant type: single nucleotide variant.
Coding change: c.329A>G on transcript NM_001903.5 (MANE Select); coding-DNA position 329, A replaced by G.
Protein change: p.Glu110Gly; replaces glutamic acid 110 with glycine.
Molecular consequence: missense variant. On other transcripts: intron variant (1).
Genome position (GRCh38, 1-based): chr5:138,810,065, A>G. VCF-style: chr5-138810065-A-G. GRCh37 (hg19) VCF-style: chr5-138145754-A-G.
Other names: c.-5-36A>G (NM_001290310.3); c.20A>G, p.Glu7Gly (NM_001290309.3); c.329A>G, p.Glu110Gly (NM_001323982.2, NM_001323983.1, NM_001290307.3 and 3 more transcripts); short protein forms E110G, E7G.
Identifiers: ClinVar variation 1025406 (VCV001025406.12), dbSNP rs1758516450, ClinGen allele CA361122883.